The following is an entry in ClinVar:

ClinVar aggregate classification (germline): Uncertain significance (1 of 4 stars; one submission).

Conditions:
Bethlem myopathy 1A. Also called: Bethlem Muscular Dystrophy; MYOPATHY, BENIGN CONGENITAL, WITH CONTRACTURES; Bethlem myopathy 1. Identifiers: Orphanet 610, MedGen CN029274, MONDO:0024530, OMIM 158810.

Submission:

Labcorp Genetics (formerly Invitae), Labcorp
Classification: Uncertain significance for Bethlem myopathy 1A. Last evaluated: 2021-08-28. Review status: criteria provided, single submitter. Criteria: Invitae Variant Classification Sherloc (09022015). Collection method: clinical testing. Allele origin: germline.
Comment: This sequence change replaces valine with leucine at codon 971 of the COL6A1 protein (p.Val971Leu). The valine residue is highly conserved and there is a small physicochemical difference between valine and leucine. This variant is not present in population databases (ExAC no frequency). This variant has not been reported in the literature in individuals affected with COL6A1-related conditions. Algorithms developed to predict the effect of missense changes on protein structure and function are either unavailable or do not agree on the potential impact of this missense change (SIFT: "Deleterious"; PolyPhen-2: "Probably Damaging"; Align-GVGD: "Class C0"). In summary, the available evidence is currently insufficient to determine the role of this variant in disease. Therefore, it has been classified as a Variant of Uncertain Significance.

NM_001848.3(COL6A1):c.2911G>T (p.Val971Leu)

Gene: COL6A1 (collagen type VI alpha 1 chain; plus strand). Cytogenetic location: 21q22.3.
Variant type: single nucleotide variant.
Coding change: c.2911G>T on transcript NM_001848.3 (MANE Select); coding-DNA position 2911, G replaced by T.
Protein change: p.Val971Leu; replaces valine 971 with leucine.
Molecular consequence: missense variant.
Genome position (GRCh38, 1-based): chr21:46,003,837, G>T. VCF-style: chr21-46003837-G-T. GRCh37 (hg19) VCF-style: chr21-47423751-G-T.
Other names: short protein forms V971L.
Identifiers: ClinVar variation 947801 (VCV000947801.6), dbSNP rs769795690, ClinGen allele CA410541428.
Genomic context (GRCh38, chr21:46,003,837, plus strand): 5'-ACGCCCGCTGCCATCGAGAAGGCCGTGCAGGAAGCCCAGCGGGCAGGCATCGAGATCTTC[G>T]TGGTGGTCGTGGGCCGCCAGGTGAATGAGCCCCACATCCGCGTCCTGGTCACCGGCAAGA-3'
Protein context (NP_001839.2, residues 961-981): EAQRAGIEIF[Val971Leu]VVVGRQVNEP